The following is an entry in ClinVar:

NM_001174147.2(LMX1B):c.886+36G>A

Gene: LMX1B (LIM homeobox transcription factor 1 beta; plus strand). Cytogenetic location: 9q33.3.
Variant type: single nucleotide variant.
Coding change: c.886+36G>A on transcript NM_001174147.2 (MANE Select); 36 bases into the intron after coding-DNA position 886, G replaced by A.
Molecular consequence: intron variant.
Genome position (GRCh38, 1-based): chr9:126,693,848, G>A. VCF-style: chr9-126693848-G-A. GRCh37 (hg19) VCF-style: chr9-129456127-G-A.
Other names: c.919+3G>A (NM_001174146.2); c.886+36G>A (NM_002316.4).
Identifiers: ClinVar variation 1805857 (VCV001805857.2), dbSNP rs982927234, ClinGen allele CA199814209.

ClinVar aggregate classification (germline): Conflicting classifications of pathogenicity. Review status: criteria provided, conflicting classifications (1 of 4 stars). 2 submissions from 2 submitters: Uncertain significance (1); Likely benign (1). Last evaluated 2025-02-05.

Conditions:
LMX1B-related disorder. Also called: LMX1B-related condition.
Nail-patella syndrome (NPS). Also called: FONG DISEASE; ONYCHOOSTEODYSPLASIA; TURNER-KIESER SYNDROME. Identifiers: Orphanet 2614, MedGen C0027341, MONDO:0008061, OMIM 161200.

Allele frequency attached by ClinVar (database versions not stated): gnomAD exomes below 0.00001; gnomAD 0.00002; TOPMed 0.00005.
gnomAD v4.1: 6 of 1,011,748 alleles (0.00059%); highest among the groups gnomAD compares: African/African-American, 0.0079%; no homozygotes.

Submissions (2):

PreventionGenetics, part of Exact Sciences
Classification: Likely benign for LMX1B-related condition. Last evaluated: 2025-02-05. Review status: criteria provided, single submitter. Criteria: ACMG Guidelines, 2015. Collection method: clinical testing. Allele origin: germline.
Comment: This variant is classified as likely benign based on ACMG/AMP sequence variant interpretation guidelines (Richards et al. 2015 PMID: 25741868, with internal and published modifications).

Victorian Clinical Genetics Services, Murdoch Childrens Research Institute
Classification: Uncertain significance for Nail-patella syndrome. Last evaluated: 2021-05-06. Review status: criteria provided, single submitter. Criteria: ACMG Guidelines, 2015. Collection method: clinical testing. Allele origin: germline. Inheritance: Autosomal dominant inheritance. Affected: yes.
Comment: Based on the classification scheme VCGS_Germline_v1.3.4, this variant is classified as 3C-VUS. Following criteria are met: 0102 - Loss of function is a known mechanism of disease in this gene and is associated with LMX1B-related nephropathy. (I) 0107 - This gene is associated with autosomal dominant disease. (I) 0115 - Variants in this gene are known to have variable expressivity. The severity of the nephropathy is highly variable both within and between families (PMID: 27450397). (I) 0212 - Non-canonical splice site variant without proven consequence on splicing (no functional evidence available). (SP) 0219 - This variant is non-coding in an alternative transcript. This variant is deep intronic in canonical transcript however, the transcript used for this analysis is present in the relevant tissue for this condition (GTEx). (I) 0251 - This variant is heterozygous. (I) 0302 - Variant is present in gnomAD (v3) <0.001 for a dominant condition (3 heterozygotes, 0 homozygotes). (SP) 0506 - Abnormal splicing is not predicted and nucleotide is poorly conserved. (SB) 0705 - No comparable non-canonical splice variants have previous evidence for pathogenicity. (I) 0807 - This variant has no previous evidence of pathogenicity. (I) 0905 - No published segregation evidence has been identified for this variant. (I) 1007 - No published functional evidence has been identified for this variant. (I) 1208 - Inheritance information for this variant is not currently available in this individual. (I) Legend: (SP) - Supporting pathogenic, (I) - Information, (SB) - Supporting benign

Literature cited by the submitters: PubMed 27450397 (cited by Victorian Clinical Genetics Services, Murdoch Childrens Research Institute).